The following is an entry in ClinVar:

NM_000079.4(CHRNA1):c.643G>A (p.Asp215Asn)

Gene: CHRNA1 (cholinergic receptor nicotinic alpha 1 subunit; minus strand). Cytogenetic location: 2q31.1.
Variant type: single nucleotide variant.
Coding change: c.643G>A on transcript NM_000079.4 (MANE Select); coding-DNA position 643, G replaced by A.
Protein change: p.Asp215Asn; replaces aspartic acid 215 with asparagine.
Molecular consequence: missense variant.
Genome position (GRCh38, 1-based): chr2:174,753,638, C>T on the plus strand (G>A on the coding strand, the complement: CHRNA1 is on the minus strand). VCF-style: chr2-174753638-C-T. GRCh37 (hg19) VCF-style: chr2-175618366-C-T.
Other names: c.718G>A, p.Asp240Asn (NM_001039523.3); short protein forms D215N, D240N.
Identifiers: ClinVar variation 210728 (VCV000210728.22), dbSNP rs148304857, ClinGen allele CA206995.

ClinVar aggregate classification (germline): Benign/Likely benign. Review status: criteria provided, multiple submitters, no conflicts (2 of 4 stars). 7 submissions from 6 submitters: Benign (4); Likely benign (3). Last evaluated 2026-02-02.

Conditions:
Congenital myasthenic syndrome (CMS). Also called: Congenital Myasthenic Syndromes. Identifiers: Orphanet 590, MedGen C0751882, MeSH D020294, MONDO:0018940.
Lethal multiple pterygium syndrome (LMPS). Identifiers: Orphanet 33108, MedGen C1854678, MONDO:0009668, OMIM 253290.

Allele frequency attached by ClinVar (database versions not stated): gnomAD 0.00390 and 0.00413; TOPMed 0.00422; ESP Exome Variant Server 0.00438; 1000 Genomes Project 0.00539; 1000 Genomes Project 30x 0.00609.
gnomAD v4.1: 1,180 of 1,613,974 alleles (0.073%); highest among the groups gnomAD compares: African/African-American, 1.4%; 11 homozygotes.

Submissions (7):

Labcorp Genetics (formerly Invitae), Labcorp
Classification: Benign for Lethal multiple pterygium syndrome. Last evaluated: 2026-02-02. Review status: criteria provided, single submitter. Criteria: Invitae Variant Classification Sherloc (09022015). Collection method: clinical testing. Allele origin: germline.

Genetic Services Laboratory, University of Chicago
Classification: Benign. Last evaluated: 2021-02-22. Review status: criteria provided, single submitter. Criteria: ACMG Guidelines, 2015. Collection method: clinical testing. Allele origin: germline. Affected: no.

Athena Diagnostics
Classification: Benign. Last evaluated: 2018-12-27. Review status: criteria provided, single submitter. Criteria: Athena Diagnostics Criteria. Collection method: clinical testing. Allele origin: germline.

Illumina Laboratory Services, Illumina
Classification: Likely benign for Congenital myasthenic syndrome. Last evaluated: 2018-01-12. Review status: criteria provided, single submitter. Criteria: ICSL Variant Classification Criteria 13 December 2019. Collection method: clinical testing. Allele origin: germline.
Comment: This variant was observed in the ICSL laboratory as part of a predisposition screen in an ostensibly healthy population. It had not been previously curated by ICSL or reported in the Human Gene Mutation Database (HGMD: prior to June 1st, 2018), and was therefore a candidate for classification through an automated scoring system. Utilizing variant allele frequency, disease prevalence and penetrance estimates, and inheritance mode, an automated score was calculated to assess if this variant is too frequent to cause the disease. Based on the score and internal cut-off values, a variant classified as likely benign is not then subjected to further curation. The score for this variant resulted in a classification of likely benign for this disease.

Illumina Laboratory Services, Illumina
Classification: Benign for Lethal multiple pterygium syndrome. Last evaluated: 2018-01-12. Review status: criteria provided, single submitter. Criteria: ICSL Variant Classification Criteria 13 December 2019. Collection method: clinical testing. Allele origin: germline.
Comment: This variant was observed in the ICSL laboratory as part of a predisposition screen in an ostensibly healthy population. It had not been previously curated by ICSL or reported in the Human Gene Mutation Database (HGMD: prior to June 1st, 2018), and was therefore a candidate for classification through an automated scoring system. Utilizing variant allele frequency, disease prevalence and penetrance estimates, and inheritance mode, an automated score was calculated to assess if this variant is too frequent to cause the disease. Based on the score and internal cut-off values, a variant classified as benign is not then subjected to further curation. The score for this variant resulted in a classification of benign for this disease.

GeneDx
Classification: Likely benign. Last evaluated: 2016-07-15. Review status: criteria provided, single submitter. Criteria: GeneDx Variant Classification (06012015). Collection method: clinical testing. Allele origin: germline. Affected: yes.
Comment: This variant is considered likely benign or benign based on one or more of the following criteria: it is a conservative change, it occurs at a poorly conserved position in the protein, it is predicted to be benign by multiple in silico algorithms, and/or has population frequency not consistent with disease.

Breakthrough Genomics
Classification: Likely benign. Review status: criteria provided, single submitter. Criteria: ACMG Guidelines, 2015. Collection method: not provided. Allele origin: germline. Inheritance: Autosomal recessive inheritance. Affected: yes.